The following is an entry in ClinVar:

NC_000002.12:g.(?_214780554)_(214781515_?)del

Gene: BARD1 (BRCA1 associated RING domain 1; minus strand). Cytogenetic location: 2q35.
Variant type: Deletion.
Identifiers: ClinVar variation 583924 (VCV000583924.2).

ClinVar aggregate classification (germline): Pathogenic (1 of 4 stars; one submission).

Conditions:
Familial cancer of breast. Also called: Hereditary breast cancer; hereditary breast carcinoma; BREAST CANCER, FAMILIAL. Identifiers: Orphanet 227535, MedGen C0346153, MONDO:0016419, OMIM 114480. Disease mechanism: loss of function.

Submission:

Labcorp Genetics (formerly Invitae), Labcorp
Classification: Pathogenic for Familial cancer of breast. Last evaluated: 2018-04-16. Review status: criteria provided, single submitter. Criteria: Invitae Variant Classification Sherloc (09022015). Collection method: clinical testing. Allele origin: germline.
Comment: This variant is an out-of-frame deletion of the genomic region encompassing exon 4 of the BARD1 gene. This is expected to create a premature translational stop signal and result in an absent or disrupted protein product. Similar deletions have not been reported in the literature in individuals with BARD1-related disease. Loss-of-function variants in BARD1 are known to be pathogenic (PMID: 20077502, 21344236). For these reasons, this variant has been classified as Pathogenic.